The following is an entry in ClinVar:

ClinVar aggregate classification (germline): Likely benign. Review status: criteria provided, multiple submitters, no conflicts (2 of 4 stars). 2 submissions from 2 submitters: Likely benign (2). Last evaluated 2025-04-07.

Conditions:
C2CD3-related disorder. Also called: C2CD3-related condition.

Allele frequency attached by ClinVar (database versions not stated): gnomAD 0.00009 and 0.00013; TOPMed 0.00019; ExAC 0.00026; gnomAD exomes 0.00028; 1000 Genomes Project 30x 0.00047; 1000 Genomes Project 0.00060.
gnomAD v4.1: 140 of 1,613,918 alleles (0.0087%); highest among the groups gnomAD compares: East Asian, 0.29%; no homozygotes.

Submissions (2):

Labcorp Genetics (formerly Invitae), Labcorp
Classification: Likely benign. Last evaluated: 2025-04-07. Review status: criteria provided, single submitter. Criteria: Invitae Variant Classification Sherloc (09022015). Collection method: clinical testing. Allele origin: germline.

PreventionGenetics, part of Exact Sciences
Classification: Likely benign for C2CD3-related condition. Last evaluated: 2024-10-07. Review status: criteria provided, single submitter. Criteria: ACMG Guidelines, 2015. Collection method: clinical testing. Allele origin: germline.
Comment: This variant is classified as likely benign based on ACMG/AMP sequence variant interpretation guidelines (Richards et al. 2015 PMID: 25741868, with internal and published modifications).

NM_001286577.2(C2CD3):c.1584T>A (p.Ser528Arg)

Gene: C2CD3 (C2 domain containing 3 centriole elongation regulator; minus strand). Cytogenetic location: 11q13.4.
Variant type: single nucleotide variant.
Coding change: c.1584T>A on transcript NM_001286577.2 (MANE Select); coding-DNA position 1584, T replaced by A.
Protein change: p.Ser528Arg; replaces serine 528 with arginine.
Molecular consequence: missense variant.
Genome position (GRCh38, 1-based): chr11:74,114,530, A>T on the plus strand (T>A on the coding strand, the complement: C2CD3 is on the minus strand). VCF-style: chr11-74114530-A-T. GRCh37 (hg19) VCF-style: chr11-73825575-A-T.
Other names: c.1584T>A, p.Ser528Arg (NM_015531.6); c.1584T>A (NM_015531.5); short protein forms S528R.
Identifiers: ClinVar variation 1621970 (VCV001621970.9), dbSNP rs137913425, ClinGen allele CA6182910.